The following is an entry in ClinVar:

NM_001171613.2(PREPL):c.1882G>T (p.Val628Phe)

Genes: PREPL (prolyl endopeptidase like; minus strand), SLC3A1 (solute carrier family 3 member 1; plus strand). Cytogenetic location: 2p21.
Variant type: single nucleotide variant.
Coding change: c.1882G>T on transcript NM_001171613.2 (MANE Select); coding-DNA position 1882, G replaced by T.
Protein change: p.Val628Phe; replaces valine 628 with phenylalanine.
Molecular consequence: missense variant. On other transcripts: 3 prime UTR variant (1).
Genome position (GRCh38, 1-based): chr2:44,321,391, C>A on the plus strand (G>T on the coding strand, the complement: PREPL is on the minus strand). VCF-style: chr2-44321391-C-A. GRCh37 (hg19) VCF-style: chr2-44548530-C-A.
Other names: c.*752C>A (NM_000341.4); c.1963G>T, p.Val655Phe (NM_001042385.2); c.1951G>T, p.Val651Phe (NM_001042386.2); c.2149G>T, p.Val717Phe (NM_001171603.1, NM_001171606.2, NM_001374275.1 and 2 more transcripts); c.1882G>T, p.Val628Phe (NM_001171617.1, NM_001374277.1); short protein forms V651F, V655F, V717F, V628F.
Identifiers: ClinVar variation 1398355 (VCV001398355.8), dbSNP rs1433913896, ClinGen allele CA346687707.

ClinVar aggregate classification (germline): Uncertain significance (1 of 4 stars; one submission).

Conditions:
Myasthenic syndrome, congenital, 22 (CMS22). Also called: PREPL DEFICIENCY. Identifiers: MedGen C4479088, MONDO:0044299, OMIM 616224.

gnomAD v4.1: 2 of 1,612,590 alleles (0.00012%); highest among the groups gnomAD compares: Admixed American, 0.0033%; no homozygotes.

Submission:

Labcorp Genetics (formerly Invitae), Labcorp
Classification: Uncertain significance for Myasthenic syndrome, congenital, 22. Last evaluated: 2020-12-19. Review status: criteria provided, single submitter. Criteria: Invitae Variant Classification Sherloc (09022015). Collection method: clinical testing. Allele origin: germline.
Comment: In summary, the available evidence is currently insufficient to determine the role of this variant in disease. Therefore, it has been classified as a Variant of Uncertain Significance. This variant is not present in population databases (ExAC no frequency). This variant has not been reported in the literature in individuals with PREPL-related conditions. Algorithms developed to predict the effect of missense changes on protein structure and function are either unavailable or do not agree on the potential impact of this missense change (SIFT: "Deleterious"; PolyPhen-2: "Benign"; Align-GVGD: "Class C0"). This sequence change replaces valine with phenylalanine at codon 717 of the PREPL protein (p.Val717Phe). The valine residue is weakly conserved and there is a small physicochemical difference between valine and phenylalanine.